The following is an entry in ClinVar:

ClinVar aggregate classification (germline): Uncertain significance. Review status: criteria provided, multiple submitters, no conflicts (2 of 4 stars). 2 submissions from 2 submitters: Uncertain significance (2). Last evaluated 2026-02-05.

Conditions:
Hereditary cancer-predisposing syndrome. Also called: Hereditary Cancer Syndrome; Hereditary neoplastic syndrome; Neoplastic Syndromes, Hereditary; Tumor predisposition. Identifiers: Orphanet 140162, MedGen C0027672, MeSH D009386, MONDO:0015356.

Allele frequency attached by ClinVar (database versions not stated): gnomAD exomes below 0.00001.
gnomAD v4.1: 1 of 1,614,076 alleles (0.000062%); highest among the groups gnomAD compares: African/African-American, 0.0013%; no homozygotes.

Submissions (2):

GeneDx
Classification: Uncertain significance. Last evaluated: 2026-02-05. Review status: criteria provided, single submitter. Criteria: GeneDx Variant Classification Process June 2021. Collection method: clinical testing. Allele origin: germline. Affected: yes.
Comment: Not observed at significant frequency in large population cohorts (gnomAD); In silico analysis suggests that this missense variant does not alter protein structure/function; Has not been previously published as pathogenic or benign to our knowledge

Ambry Genetics
Classification: Uncertain significance for Hereditary cancer-predisposing syndrome. Last evaluated: 2024-10-03. Review status: criteria provided, single submitter. Criteria: Ambry Variant Classification Scheme 2023. Collection method: clinical testing. Allele origin: germline.
Comment: The p.N154S variant (also known as c.461A>G), located in coding exon 4 of the SMARCB1 gene, results from an A to G substitution at nucleotide position 461. The asparagine at codon 154 is replaced by serine, an amino acid with highly similar properties. This amino acid position is well conserved in available vertebrate species; however, serine is the reference amino acid in other vertebrate species. In addition, this alteration is predicted to be tolerated by in silico analysis. Missense and in-frame variants in SMARCB1 are known to cause neurodevelopmental disorders; however, such associations with rhabdoid tumor predisposition syndrome are exceedingly rare (Kosho T et al. Am J Med Genet C Semin Med Genet. 2014 Sep;166C(3):262-75; Eaton KW et al. Pediatr Blood Cancer. 2011 Jan;56(1):7-15). Based on the supporting evidence, the association of this alteration with Coffin-Siris syndrome is unknown; however, the association of this alteration with SMARCB1-related schwannomatosis is unlikely.

NM_003073.5(SMARCB1):c.461A>G (p.Asn154Ser)

Gene: SMARCB1 (SWI/SNF related BAF chromatin remodeling complex subunit B1; plus strand). Cytogenetic location: 22q11.23.
Variant type: single nucleotide variant.
Coding change: c.461A>G on transcript NM_003073.5 (MANE Select); coding-DNA position 461, A replaced by G.
Protein change: p.Asn154Ser; replaces asparagine 154 with serine.
Molecular consequence: missense variant.
Genome position (GRCh38, 1-based): chr22:23,801,042, A>G. VCF-style: chr22-23801042-A-G. GRCh37 (hg19) VCF-style: chr22-24143229-A-G.
Other names: c.434A>G, p.Asn145Ser (NM_001007468.3, NM_001317946.2); c.461A>G, p.Asn154Ser (NM_001362877.2); c.461A>G (LRG_520t1); short protein forms N154S, N145S.
Identifiers: ClinVar variation 389577 (VCV000389577.6), dbSNP rs1057523475, ClinGen allele CA16608623.